The following is an entry in ClinVar:

ClinVar aggregate classification (germline): Uncertain significance (1 of 4 stars; one submission).

Allele frequency attached by ClinVar (database versions not stated): TOPMed 0.00001.

Submission:

Labcorp Genetics (formerly Invitae), Labcorp
Classification: Uncertain significance. Last evaluated: 2024-07-23. Review status: criteria provided, single submitter. Criteria: Invitae Variant Classification Sherloc (09022015). Collection method: clinical testing. Allele origin: germline.
Comment: This sequence change replaces glutamic acid, which is acidic and polar, with aspartic acid, which is acidic and polar, at codon 634 of the VCAN protein (p.Glu634Asp). This variant is not present in population databases (gnomAD no frequency). This variant has not been reported in the literature in individuals affected with VCAN-related conditions. ClinVar contains an entry for this variant (Variation ID: 1043425). An algorithm developed to predict the effect of missense changes on protein structure and function outputs the following: PolyPhen-2: "Benign". The aspartic acid amino acid residue is found in multiple mammalian species, which suggests that this missense change does not adversely affect protein function. In summary, the available evidence is currently insufficient to determine the role of this variant in disease. Therefore, it has been classified as a Variant of Uncertain Significance.

NM_004385.5(VCAN):c.1902G>C (p.Glu634Asp)

Gene: VCAN (versican; plus strand). Cytogenetic location: 5q14.3.
Variant type: single nucleotide variant.
Coding change: c.1902G>C on transcript NM_004385.5 (MANE Select); coding-DNA position 1902, G replaced by C.
Protein change: p.Glu634Asp; replaces glutamic acid 634 with aspartic acid.
Molecular consequence: missense variant. On other transcripts: intron variant (2).
Genome position (GRCh38, 1-based): chr5:83,520,208, G>C. VCF-style: chr5-83520208-G-C. GRCh37 (hg19) VCF-style: chr5-82816027-G-C.
Other names: c.1902G>C, p.Glu634Asp (NM_001164098.2); c.1042+7812G>C (NM_001164097.2, NM_001126336.3); short protein forms E634D.
Identifiers: ClinVar variation 1043425 (VCV001043425.8), dbSNP rs904361895, ClinGen allele CA121791614.